The following is an entry in ClinVar:

NM_203447.4(DOCK8):c.528+65G>A

Gene: DOCK8 (dedicator of cytokinesis 8; plus strand). Cytogenetic location: 9p24.3.
Variant type: single nucleotide variant.
Coding change: c.528+65G>A on transcript NM_203447.4 (MANE Select); 65 bases into the intron after coding-DNA position 528, G replaced by A.
Molecular consequence: intron variant.
Genome position (GRCh38, 1-based): chr9:304,769, G>A. VCF-style: chr9-304769-G-A. GRCh37 (hg19) VCF-style: chr9-304769-G-A.
Other names: c.324+65G>A (NM_001193536.2, NM_001190458.2).
Identifiers: ClinVar variation 1237248 (VCV001237248.6), dbSNP rs13292474, ClinGen allele CA13080037.

ClinVar aggregate classification (germline): Benign. Review status: criteria provided, multiple submitters, no conflicts (2 of 4 stars). 3 submissions from 3 submitters: Benign (3). Last evaluated 2024-01-24.

Allele frequency attached by ClinVar (database versions not stated): 1000 Genomes Project 0.09525; 1000 Genomes Project 30x 0.09588; gnomAD 0.14202 and 0.14289.
gnomAD v4.1: 308,003 of 1,610,066 alleles (19%); highest among the groups gnomAD compares: Non-Finnish European, 22%; 32,308 homozygotes.

Submissions (3):

Unidad de Genómica Garrahan, Hospital de Pediatría Garrahan
Classification: Benign. Last evaluated: 2024-01-24. Review status: criteria provided, single submitter. Criteria: ACMG Guidelines, 2015. Collection method: clinical testing. Allele origin: germline. Affected: no. Observed: 25 variant alleles.
Comment: This variant is classified as Benign based on local population frequency. This variant was detected in 26% of patients studied by a panel of primary immunodeficiencies. Number of patients: 25. Only high quality variants are reported.

GeneDx
Classification: Benign. Last evaluated: 2018-06-23. Review status: criteria provided, single submitter. Criteria: GeneDx Variant Classification Process June 2021. Collection method: clinical testing. Allele origin: germline. Affected: yes.

Breakthrough Genomics
Classification: Benign. Review status: criteria provided, single submitter. Criteria: ACMG Guidelines, 2015. Collection method: not provided. Allele origin: germline. Inheritance: Autosomal recessive inheritance. Affected: yes.